The following is an entry in ClinVar:

NM_000256.3(MYBPC3):c.3825A>G (p.Ter1275Trp)

Gene: MYBPC3 (myosin binding protein C3; minus strand). Cytogenetic location: 11p11.2.
Variant type: single nucleotide variant.
Coding change: c.3825A>G on transcript NM_000256.3 (MANE Select); coding-DNA position 3825, A replaced by G.
Protein change: p.Ter1275Trp.
Molecular consequence: stop lost.
Genome position (GRCh38, 1-based): chr11:47,331,871, T>C on the plus strand (A>G on the coding strand, the complement: MYBPC3 is on the minus strand). VCF-style: chr11-47331871-T-C. GRCh37 (hg19) VCF-style: chr11-47353422-T-C.
Other names: *1275W.
Identifiers: ClinVar variation 177888 (VCV000177888.9), dbSNP rs727504380, ClinGen allele CA014992.

ClinVar aggregate classification (germline): Uncertain significance. Review status: criteria provided, multiple submitters, no conflicts (2 of 4 stars). 3 submissions from 3 submitters: Uncertain significance (2). 1 of the submissions does not count toward it. Last evaluated 2022-12-25.

Conditions:
Hypertrophic cardiomyopathy. Also called: HYPERTROPHIC MYOCARDIOPATHY. Identifiers: Orphanet 217569, MedGen C0007194, MeSH D002312, MONDO:0005045, HP:0001639.

Submissions (3):

Labcorp Genetics (formerly Invitae), Labcorp
Classification: Uncertain significance for Hypertrophic cardiomyopathy. Last evaluated: 2022-12-25. Review status: criteria provided, single submitter. Criteria: Invitae Variant Classification Sherloc (09022015). Collection method: clinical testing. Allele origin: germline.
Comment: In summary, the available evidence is currently insufficient to determine the role of this variant in disease. Therefore, it has been classified as a Variant of Uncertain Significance. Experimental studies and prediction algorithms are not available or were not evaluated, and the functional significance of this variant is currently unknown. ClinVar contains an entry for this variant (Variation ID: 177888). This protein extension has been observed in individual(s) with hypertrophic cardiomyopathy (PMID: 25611685). This variant is not present in population databases (gnomAD no frequency). This sequence change disrupts the translational stop signal of the MYBPC3 mRNA. It is expected to extend the length of the MYBPC3 protein by 76 additional amino acid residues.

Blueprint Genetics
Classification: Uncertain significance. Last evaluated: 2018-08-29. Review status: criteria provided, single submitter. Criteria: ACMG Guidelines, 2015. Collection method: clinical testing. Allele origin: germline.

Laboratory for Molecular Medicine, Mass General Brigham Personalized Medicine
Classification: Likely pathogenic for Hypertrophic cardiomyopathy. Last evaluated: 2013-02-12. Review status: no assertion criteria provided. Collection method: clinical testing. Allele origin: germline. Observed: 1 variant allele. Not counted in ClinVar's aggregate classification.
Comment: proposed classification - variant undergoing re-assessment, contact laboratory

Literature cited by the submitters: PubMed 25611685 (cited by Labcorp Genetics (formerly Invitae), Labcorp).